The following is an entry in ClinVar:

ClinVar aggregate classification (germline): Uncertain significance (1 of 4 stars; one submission).

Conditions:
Hypertrophic cardiomyopathy 26. Also called: Cardiomyopathy, familial hypertrophic, 26. Identifiers: Orphanet 75249, MedGen C4310749, MONDO:0014883, OMIM 617047.
Myofibrillar myopathy 5. Also called: Filaminopathy (type); FILAMINOPATHY, AUTOSOMAL DOMINANT. Identifiers: Orphanet 171445, MedGen C1836050, MONDO:0012289, OMIM 609524.
Distal myopathy with posterior leg and anterior hand involvement. Also called: WILLIAMS DISTAL MYOPATHY. Identifiers: Orphanet 63273, MedGen C3279722, MONDO:0013550, OMIM 614065.

Submission:

Labcorp Genetics (formerly Invitae), Labcorp
Classification: Uncertain significance for Distal myopathy with posterior leg and anterior hand involvement; Myofibrillar myopathy 5; Hypertrophic cardiomyopathy 26. Last evaluated: 2025-07-02. Review status: criteria provided, single submitter. Criteria: Invitae Variant Classification Sherloc (09022015). Collection method: clinical testing. Allele origin: germline.
Comment: This sequence change falls in intron 18 of the FLNC gene. It does not directly change the encoded amino acid sequence of the FLNC protein. It affects a nucleotide within the consensus splice site. This variant is not present in population databases (gnomAD no frequency). This variant has not been reported in the literature in individuals affected with FLNC-related conditions. Variants that disrupt the consensus splice site are a relatively common cause of aberrant splicing (PMID: 17576681, 9536098). Algorithms developed to predict the effect of sequence changes on RNA splicing suggest that this variant is not likely to affect RNA splicing. In summary, the available evidence is currently insufficient to determine the role of this variant in disease. Therefore, it has been classified as a Variant of Uncertain Significance.

Literature cited by the submitters: PubMed 17576681; PubMed 9536098.

NM_001458.5(FLNC):c.2811+4C>G

Gene: FLNC (filamin C; plus strand). Cytogenetic location: 7q32.1.
Variant type: single nucleotide variant.
Coding change: c.2811+4C>G on transcript NM_001458.5 (MANE Select); 4 bases into the intron after coding-DNA position 2811, C replaced by G.
Molecular consequence: intron variant.
Genome position (GRCh38, 1-based): chr7:128,843,581, C>G. VCF-style: chr7-128843581-C-G. GRCh37 (hg19) VCF-style: chr7-128483635-C-G.
Other names: c.2811+4C>G (NM_001127487.2).
Identifiers: ClinVar variation 4812687 (VCV004812687.1).